The following is an entry in ClinVar:

ClinVar aggregate classification (germline): Conflicting classifications of pathogenicity. Review status: criteria provided, conflicting classifications (1 of 4 stars). 7 submissions from 7 submitters: Uncertain significance (4); Benign (1); Likely benign (1). 1 of the submissions does not count toward it. Last evaluated 2026-07-01.

Conditions:
TTN-related disorder. Also called: TTN-related disorders; TTN-related condition; TTN-related disease.
Cardiovascular phenotype. Identifiers: MedGen CN230736.
Autosomal recessive limb-girdle muscular dystrophy type 2J (LGMDR10). Also called: Limb-girdle muscular dystrophy, type 2J; MUSCULAR DYSTROPHY, LIMB-GIRDLE, AUTOSOMAL RECESSIVE 10. Identifiers: Orphanet 140922, MedGen C1837342, MONDO:0012127, OMIM 608807.
Dilated cardiomyopathy 1G (CMD1G). Identifiers: Orphanet 154, MedGen C1858763, MONDO:0011400, OMIM 604145.

Allele frequency attached by ClinVar (database versions not stated): gnomAD 0.00001 and 0.00002; gnomAD exomes 0.00001; ExAC 0.00002; TOPMed 0.00005.
gnomAD v4.1: 21 of 1,613,408 alleles (0.0013%); highest among the groups gnomAD compares: Non-Finnish European, 0.0015%; no homozygotes.

Submissions (7):

CeGaT Center for Human Genetics Tuebingen
Classification: Uncertain significance. Last evaluated: 2026-07-01. Review status: criteria provided, single submitter. Criteria: CeGaT Center For Human Genetics Tuebingen Variant Classification Criteria Version 2. Collection method: clinical testing. Allele origin: germline. Affected: yes. Observed: 1 variant allele.
Comment: TTN: PM2, BP4

PreventionGenetics, part of Exact Sciences
Classification: Uncertain significance for TTN-related condition. Last evaluated: 2026-02-22. Review status: criteria provided, single submitter. Criteria: ACMG Guidelines, 2015. Collection method: clinical testing. Allele origin: germline.
Comment: The TTN c.71608G>A variant is predicted to result in the amino acid substitution p.Gly23870Ser. To our knowledge, this variant has not been reported in the literature. This variant is reported in 0.0031% of alleles in individuals of European (Non-Finnish) descent in gnomAD. At this time, the clinical significance of this variant is uncertain due to the absence of conclusive functional and genetic evidence.

Ambry Genetics
Classification: Benign for Cardiovascular phenotype. Last evaluated: 2025-09-03. Review status: criteria provided, single submitter. Criteria: Ambry Variant Classification Scheme 2023. Collection method: clinical testing. Allele origin: germline.

Revvity Omics, Revvity
Classification: Uncertain significance. Last evaluated: 2025-06-17. Review status: criteria provided, single submitter. Criteria: ACMG Guidelines, 2015. Collection method: clinical testing. Allele origin: germline.

Labcorp Genetics (formerly Invitae), Labcorp
Classification: Uncertain significance for Dilated cardiomyopathy 1G; Autosomal recessive limb-girdle muscular dystrophy type 2J. Last evaluated: 2017-10-17. Review status: criteria provided, single submitter. Criteria: Invitae Variant Classification Sherloc (09022015). Collection method: clinical testing. Allele origin: germline.

Laboratory for Molecular Medicine, Mass General Brigham Personalized Medicine
Classification: Likely benign. Last evaluated: 2014-06-05. Review status: criteria provided, single submitter. Criteria: LMM Criteria. Collection method: clinical testing. Allele origin: germline. Observed: 1 variant allele.
Comment: Gly21302Ser in exon 275 of TTN: This variant is not expected to have clinical si gnificance due to a lack of conservation across species, including mammals. Of n ote, dolphin, killer whale, white rhinoceros, manatee, and several bird specie h ave a serine (Ser) at this position despite high nearby amino acid conservation.

GeneDx
No classification provided. Last evaluated: 2014-04-04. Review status: no classification provided. Criteria: GeneDx Variant Classification (06012015). Collection method: clinical testing. Allele origin: germline. Affected: yes. Not counted in ClinVar's aggregate classification.
Comment: Missense variants in the TTN gene are considered 'unclassified' if they are not previously reported in the literature and do not have >1% frequency in the population to be considered a polymorphism. Research indicates that truncating mutations in the TTN gene are expected to account for approximately 25% of familial and 18% of sporadic idiopathic DCM; however, truncating variants in the TTN gene have been reported in approximately 3% of reported control alleles. There has been little investigation into non-truncating variants. (Herman D et al. Truncations of titin causing dilated cardiomyopathy. N Eng J Med 366:619-628, 2012) The variant is found in DCM,CARDIOMYOPATHY panel(s).

NM_001267550.2(TTN):c.71608G>A (p.Gly23870Ser)

Genes: TTN (titin; minus strand), TTN-AS1 (TTN antisense RNA 1; plus strand). Cytogenetic location: 2q31.2.
Variant type: single nucleotide variant.
Coding change: c.71608G>A on transcript NM_001267550.2 (MANE Select); coding-DNA position 71608, G replaced by A.
Protein change: p.Gly23870Ser; replaces glycine 23870 with serine.
Molecular consequence: missense variant.
Genome position (GRCh38, 1-based): chr2:178,574,524, C>T on the plus strand (G>A on the coding strand, the complement: TTN is on the minus strand). VCF-style: chr2-178574524-C-T. GRCh37 (hg19) VCF-style: chr2-179439251-C-T.
Other names: p.G22229S:GGT>AGT; c.44788G>A, p.Gly14930Ser (NM_133432.3); c.44989G>A, p.Gly14997Ser (NM_133437.4); c.66685G>A, p.Gly22229Ser (NM_001256850.1); c.44413G>A, p.Gly14805Ser (NM_003319.4); c.63904G>A, p.Gly21302Ser (NM_133378.4); short protein forms G21302S, G23870S, G22229S, G14805S, G14997S, G14930S.
Identifiers: ClinVar variation 165851 (VCV000165851.18), dbSNP rs727503564, ClinGen allele CA178519.